The following is an entry in ClinVar:

ClinVar aggregate classification (germline): Uncertain significance (1 of 4 stars; one submission).

Conditions:
Inborn genetic diseases. Identifiers: MedGen C0950123, MeSH D030342.

Allele frequency attached by ClinVar (database versions not stated): gnomAD exomes below 0.00001; ExAC 0.00001; gnomAD 0.00001.
gnomAD v4.1: 6 of 1,613,990 alleles (0.00037%); highest among the groups gnomAD compares: Non-Finnish European, 0.00051%; no homozygotes.

Submission:

Ambry Genetics
Classification: Uncertain significance for Inborn genetic diseases. Last evaluated: 2022-06-02. Review status: criteria provided, single submitter. Criteria: Ambry Variant Classification Scheme 2023. Collection method: clinical testing. Allele origin: germline.
Comment: The p.Q887R variant (also known as c.2660A>G), located in coding exon 19 of the LTBP3 gene, results from an A to G substitution at nucleotide position 2660. The glutamine at codon 887 is replaced by arginine, an amino acid with highly similar properties. This amino acid position is conserved. In addition, this alteration is predicted to be tolerated by in silico analysis. Since supporting evidence is limited at this time, the clinical significance of this alteration remains unclear.

NM_001130144.3(LTBP3):c.2660A>G (p.Gln887Arg)

Gene: LTBP3 (latent transforming growth factor beta binding protein 3; minus strand). Cytogenetic location: 11q13.1.
Variant type: single nucleotide variant.
Coding change: c.2660A>G on transcript NM_001130144.3 (MANE Select); coding-DNA position 2660, A replaced by G.
Protein change: p.Gln887Arg; replaces glutamine 887 with arginine.
Molecular consequence: missense variant.
Genome position (GRCh38, 1-based): chr11:65,541,665, T>C on the plus strand (A>G on the coding strand, the complement: LTBP3 is on the minus strand). VCF-style: chr11-65541665-T-C. GRCh37 (hg19) VCF-style: chr11-65309136-T-C.
Other names: c.2309A>G, p.Gln770Arg (NM_001164266.1); c.2660A>G, p.Gln887Arg (NM_021070.4); short protein forms Q770R, Q887R.
Identifiers: ClinVar variation 1794442 (VCV001794442.2), dbSNP rs746042626, ClinGen allele CA6100526.